The following is an entry in ClinVar:

NM_000263.4(NAGLU):c.1531G>A (p.Gly511Ser)

Gene: NAGLU (N-acetyl-alpha-glucosaminidase; plus strand). Cytogenetic location: 17q21.2.
Variant type: single nucleotide variant.
Coding change: c.1531G>A on transcript NM_000263.4 (MANE Select); coding-DNA position 1531, G replaced by A.
Protein change: p.Gly511Ser; replaces glycine 511 with serine.
Molecular consequence: missense variant.
Genome position (GRCh38, 1-based): chr17:42,543,537, G>A. VCF-style: chr17-42543537-G-A. GRCh37 (hg19) VCF-style: chr17-40695555-G-A.
Other names: short protein forms G511S.
Identifiers: ClinVar variation 1495826 (VCV001495826.3), dbSNP rs770129454, ClinGen allele CA399604115.

ClinVar aggregate classification (germline): Uncertain significance (1 of 4 stars; one submission).

Conditions:
Mucopolysaccharidosis, MPS-III-B (MPS3B). Also called: N-ACETYL-ALPHA-D-GLUCOSAMINIDASE DEFICIENCY; NAGLU DEFICIENCY; SANFILIPPO SYNDROME B; MPS III B; MPS IIIB (Sanfilippo Syndrome Type B); MUCOPOLYSACCHARIDOSIS, TYPE IIIB. Identifiers: Orphanet 79270, MedGen C0086648, MONDO:0009656, OMIM 252920.
Charcot-Marie-Tooth disease axonal type 2V. Also called: CHARCOT-MARIE-TOOTH NEUROPATHY, TYPE 2V; CHARCOT-MARIE-TOOTH DISEASE, AXONAL, AUTOSOMAL DOMINANT, TYPE 2V. Identifiers: Orphanet 447964, MedGen C5569050, MONDO:0014665, OMIM 616491.

Allele frequency attached by ClinVar (database versions not stated): gnomAD exomes below 0.00001.
gnomAD v4.1: 1 of 1,609,286 alleles (0.000062%); highest among the groups gnomAD compares: Admixed American, 0.0017%; no homozygotes.

Submission:

Labcorp Genetics (formerly Invitae), Labcorp
Classification: Uncertain significance for Charcot-Marie-Tooth disease axonal type 2V; Mucopolysaccharidosis, MPS-III-B. Last evaluated: 2021-12-13. Review status: criteria provided, single submitter. Criteria: Invitae Variant Classification Sherloc (09022015). Collection method: clinical testing. Allele origin: germline.
Comment: This sequence change replaces glycine, which is neutral and non-polar, with serine, which is neutral and polar, at codon 511 of the NAGLU protein (p.Gly511Ser). The frequency data for this variant in the population databases is considered unreliable, as metrics indicate poor data quality at this position in the gnomAD database. This variant has not been reported in the literature in individuals affected with NAGLU-related conditions. Advanced modeling of protein sequence and biophysical properties (such as structural, functional, and spatial information, amino acid conservation, physicochemical variation, residue mobility, and thermodynamic stability) performed at Invitae indicates that this missense variant is expected to disrupt NAGLU protein function. In summary, the available evidence is currently insufficient to determine the role of this variant in disease. Therefore, it has been classified as a Variant of Uncertain Significance.